The following is an entry in ClinVar:

NM_182961.4(SYNE1):c.4167A>G (p.Thr1389=)

Gene: SYNE1 (spectrin repeat containing nuclear envelope protein 1; minus strand). Cytogenetic location: 6q25.2.
Variant type: single nucleotide variant.
Coding change: c.4167A>G on transcript NM_182961.4 (MANE Select); coding-DNA position 4167, A replaced by G.
Protein change: p.Thr1389=; no amino-acid change (threonine 1389 retained).
Molecular consequence: synonymous variant.
Genome position (GRCh38, 1-based): chr6:152,436,084, T>C on the plus strand (A>G on the coding strand, the complement: SYNE1 is on the minus strand). VCF-style: chr6-152436084-T-C. GRCh37 (hg19) VCF-style: chr6-152757219-T-C.
Other names: c.4188A>G, p.Thr1396= (NM_033071.5); c.4188A>G (NM_033071.3).
Identifiers: ClinVar variation 196875 (VCV000196875.7), dbSNP rs794727571, ClinGen allele CA244654.

ClinVar aggregate classification (germline): Conflicting classifications of pathogenicity. Review status: criteria provided, conflicting classifications (1 of 4 stars). 3 submissions from 3 submitters: Uncertain significance (1); Likely benign (2). Last evaluated 2025-08-12.

Conditions:
SYNE1-related disorder. Also called: SYNE1-related disease; SYNE1-related condition; SYNE1-related disorders.

Allele frequency attached by ClinVar (database versions not stated): TOPMed below 0.00001; gnomAD exomes 0.00001.
gnomAD v4.1: 6 of 1,613,950 alleles (0.00037%); highest among the groups gnomAD compares: Non-Finnish European, 0.00051%; no homozygotes.

Submissions (3):

PreventionGenetics, part of Exact Sciences
Classification: Likely benign for SYNE1-related condition. Last evaluated: 2025-08-12. Review status: criteria provided, single submitter. Criteria: ACMG Guidelines, 2015. Collection method: clinical testing. Allele origin: germline.
Comment: This variant is classified as likely benign based on ACMG/AMP sequence variant interpretation guidelines (Richards et al. 2015 PMID: 25741868, with internal and published modifications).

Blueprint Genetics
Classification: Likely benign. Last evaluated: 2024-05-23. Review status: criteria provided, single submitter. Criteria: ACMG Guidelines, 2015. Collection method: clinical testing. Allele origin: germline.

Eurofins Ntd Llc (ga)
Classification: Uncertain significance. Last evaluated: 2015-02-17. Review status: criteria provided, single submitter. Criteria: EGL Classification Definitions 2015. Collection method: clinical testing. Allele origin: germline. Observed: 1 variant allele, 1 heterozygote.